The following is an entry in ClinVar:

ClinVar aggregate classification (germline): Conflicting classifications of pathogenicity. Review status: criteria provided, conflicting classifications (1 of 4 stars). 3 submissions from 3 submitters: Uncertain significance (2); Likely benign (1). Last evaluated 2025-08-25.

Conditions:
Fanconi anemia (FA). Also called: Fanconi's anemia. Identifiers: Orphanet 84, MedGen C0015625, MeSH D005199, MONDO:0019391.
Fanconi anemia complementation group L (FANCL). Also called: FANCL-Related Fanconi Anemia. Identifiers: Orphanet 84, MedGen C3469528, MONDO:0013566, OMIM 614083.

Allele frequency attached by ClinVar (database versions not stated): gnomAD exomes below 0.00001 and 0.00002; gnomAD 0.00001; ExAC 0.00002; TOPMed 0.00002.
gnomAD v4.1: 6 of 1,614,034 alleles (0.00037%); highest among the groups gnomAD compares: East Asian, 0.0022%; no homozygotes.

Submissions (3):

Labcorp Genetics (formerly Invitae), Labcorp
Classification: Uncertain significance for Fanconi anemia. Last evaluated: 2025-08-25. Review status: criteria provided, single submitter. Criteria: Invitae Variant Classification Sherloc (09022015). Collection method: clinical testing. Allele origin: germline.
Comment: This sequence change replaces leucine, which is neutral and non-polar, with proline, which is neutral and non-polar, at codon 214 of the FANCL protein (p.Leu214Pro). This variant is present in population databases (rs766618785, gnomAD 0.006%). This variant has not been reported in the literature in individuals affected with FANCL-related conditions. ClinVar contains an entry for this variant (Variation ID: 1319323). Invitae Evidence Modeling of protein sequence and biophysical properties (such as structural, functional, and spatial information, amino acid conservation, physicochemical variation, residue mobility, and thermodynamic stability) indicates that this missense variant is expected to disrupt FANCL protein function with a positive predictive value of 80%. In summary, the available evidence is currently insufficient to determine the role of this variant in disease. Therefore, it has been classified as a Variant of Uncertain Significance.

Institute for Clinical Genetics, University Hospital TU Dresden, University Hospital TU Dresden
Classification: Uncertain significance. Last evaluated: 2021-11-03. Review status: criteria provided, single submitter. Criteria: ACMG Guidelines, 2015. Collection method: clinical testing. Allele origin: germline.

Hadassah Hebrew University Medical Center
Classification: Likely benign for Fanconi anemia complementation group L. Review status: criteria provided, single submitter. Criteria: ACMG Guidelines, 2015. Collection method: clinical testing. Allele origin: germline. Inheritance: Autosomal recessive inheritance. Affected: yes.

NM_018062.4(FANCL):c.641T>C (p.Leu214Pro)

Gene: FANCL (FA complementation group L; minus strand). Cytogenetic location: 2p16.1.
Variant type: single nucleotide variant.
Coding change: c.641T>C on transcript NM_018062.4 (MANE Select); coding-DNA position 641, T replaced by C.
Protein change: p.Leu214Pro; replaces leucine 214 with proline.
Molecular consequence: missense variant.
Genome position (GRCh38, 1-based): chr2:58,165,774, A>G on the plus strand (T>C on the coding strand, the complement: FANCL is on the minus strand). VCF-style: chr2-58165774-A-G. GRCh37 (hg19) VCF-style: chr2-58392909-A-G.
Other names: c.656T>C, p.Leu219Pro (NM_001114636.2); c.686T>C, p.Leu229Pro (NM_001374615.1); c.701T>C, p.Leu234Pro (NM_001410792.1); short protein forms L214P, L219P, L229P, L234P.
Identifiers: ClinVar variation 1319323 (VCV001319323.4), dbSNP rs766618785, ClinGen allele CA1670534.